The following is an entry in ClinVar:

ClinVar aggregate classification (germline): Uncertain significance (1 of 4 stars; one submission).

Conditions:
RYR1-related disorder. Also called: RYR1-related disorders; RYR1-related condition. Identifiers: MedGen CN239331.

Submission:

Labcorp Genetics (formerly Invitae), Labcorp
Classification: Uncertain significance for RYR1-related disorder. Last evaluated: 2021-09-01. Review status: criteria provided, single submitter. Criteria: Invitae Variant Classification Sherloc (09022015). Collection method: clinical testing. Allele origin: germline.
Comment: This sequence change replaces arginine with leucine at codon 1964 of the RYR1 protein (p.Arg1964Leu). The arginine residue is moderately conserved and there is a moderate physicochemical difference between arginine and leucine. This variant is not present in population databases (ExAC no frequency). This variant has not been reported in the literature in individuals affected with RYR1-related conditions. Algorithms developed to predict the effect of missense changes on protein structure and function (SIFT, PolyPhen-2, Align-GVGD) all suggest that this variant is likely to be tolerated. In summary, the available evidence is currently insufficient to determine the role of this variant in disease. Therefore, it has been classified as a Variant of Uncertain Significance.

NM_000540.3(RYR1):c.5891G>T (p.Arg1964Leu)

Gene: RYR1 (ryanodine receptor 1; plus strand). Cytogenetic location: 19q13.2.
Variant type: single nucleotide variant.
Coding change: c.5891G>T on transcript NM_000540.3 (MANE Select); coding-DNA position 5891, G replaced by T.
Protein change: p.Arg1964Leu; replaces arginine 1964 with leucine.
Molecular consequence: missense variant.
Genome position (GRCh38, 1-based): chr19:38,490,152, G>T. VCF-style: chr19-38490152-G-T. GRCh37 (hg19) VCF-style: chr19-38980792-G-T.
Other names: c.5891G>T, p.Arg1964Leu (NM_001042723.2); short protein forms R1964L.
Identifiers: ClinVar variation 969199 (VCV000969199.6), dbSNP rs767487116, ClinGen allele CA405660430.